The following is an entry in ClinVar:

ClinVar aggregate classification (germline): Uncertain significance (1 of 4 stars; one submission).

Conditions:
Cohen syndrome (COH1). Also called: Cutis verticis gyrata, retinitis pigmentosa, and sensorineural deafness; PEPPER SYNDROME. Identifiers: Orphanet 193, MedGen C0265223, MONDO:0008999, OMIM 216550.

Allele frequency attached by ClinVar (database versions not stated): gnomAD exomes below 0.00001.
gnomAD v4.1: 1 of 1,614,184 alleles (0.000062%); highest among the groups gnomAD compares: Non-Finnish European, 0.000085%; no homozygotes.

Submission:

Labcorp Genetics (formerly Invitae), Labcorp
Classification: Uncertain significance for Cohen syndrome. Last evaluated: 2020-08-02. Review status: criteria provided, single submitter. Criteria: Invitae Variant Classification Sherloc (09022015). Collection method: clinical testing. Allele origin: germline.
Comment: In summary, the available evidence is currently insufficient to determine the role of this variant in disease. Therefore, it has been classified as a Variant of Uncertain Significance. This sequence change replaces proline with threonine at codon 3866 of the VPS13B protein (p.Pro3866Thr). The proline residue is moderately conserved and there is a small physicochemical difference between proline and threonine. Algorithms developed to predict the effect of missense changes on protein structure and function are either unavailable or do not agree on the potential impact of this missense change (SIFT: "Tolerated"; PolyPhen-2: "Possibly Damaging"; Align-GVGD: "Class C0"). This variant has not been reported in the literature in individuals with VPS13B-related conditions. This variant is not present in population databases (ExAC no frequency).

NM_152564.5(VPS13B):c.11521C>A (p.Pro3841Thr)

Gene: VPS13B (vacuolar protein sorting 13 homolog B; plus strand). Cytogenetic location: 8q22.2.
Variant type: single nucleotide variant.
Coding change: c.11521C>A on transcript NM_152564.5 (MANE Select); coding-DNA position 11521, C replaced by A.
Protein change: p.Pro3841Thr; replaces proline 3841 with threonine.
Molecular consequence: missense variant.
Genome position (GRCh38, 1-based): chr8:99,871,473, C>A. VCF-style: chr8-99871473-C-A. GRCh37 (hg19) VCF-style: chr8-100883701-C-A.
Other names: c.11596C>A, p.Pro3866Thr (NM_017890.5); short protein forms P3841T, P3866T.
Identifiers: ClinVar variation 1026090 (VCV001026090.7), dbSNP rs1817411525, ClinGen allele CA371793972.
Genomic context (GRCh38, chr8:99,871,473, plus strand): 5'-CTGGCCCCTGGCCTCACTTTTCTCCTTTTAAACAGGAAAATGCTTCAGTCTCTGGGCAGA[C>A]CAGAAGTCCACATGGCCCTGGACGTGGTTCTGGTGAGGGGCTCAGGCCAGGAGCATGAAG-3'
Protein context (NP_689777.3, residues 3831-3851): VWKMLQSLGR[Pro3841Thr]EVHMALDVVL